The following is an entry in ClinVar:

ClinVar aggregate classification (germline): Uncertain significance (1 of 4 stars; one submission).

gnomAD v4.1: 28 of 1,570,034 alleles (0.0018%); highest among the groups gnomAD compares: South Asian, 0.027%; no homozygotes.

Submission:

Women's Health and Genetics/Laboratory Corporation of America, LabCorp
Classification: Uncertain significance. Last evaluated: 2025-12-16. Review status: criteria provided, single submitter. Criteria: LabCorp Variant Classification Summary - May 2015. Collection method: clinical testing. Allele origin: germline.
Comment: Variant summary: PAX8 c.788C>T (p.Pro263Leu) results in a non-conservative amino acid change in the encoded protein sequence. Algorithms developed to predict the effect of missense changes on protein structure and function all suggest that this variant is likely to be disruptive. The variant allele was found at a frequency of 6.8e-05 in 176828 control chromosomes in the gnomAD database, including one homozygote. This frequency is not significantly higher than estimated for disease-causing variants in PAX8, allowing no conclusion about variant significance. To our knowledge, no occurrence of c.788C>T in individuals affected with PAX8-related conditions and no experimental evidence demonstrating its impact on protein function have been reported. No submitters have cited clinical-significance assessments for this variant to ClinVar. Based on the evidence outlined above, the variant was classified as uncertain significance.

NM_003466.4(PAX8):c.788C>T (p.Pro263Leu)

Genes: PAX8 (paired box 8; minus strand), PAX8-AS1 (PAX8 antisense RNA 1; plus strand). Cytogenetic location: 2q14.1.
Variant type: single nucleotide variant.
Coding change: c.788C>T on transcript NM_003466.4 (MANE Select); coding-DNA position 788, C replaced by T.
Protein change: p.Pro263Leu; replaces proline 263 with leucine.
Molecular consequence: missense variant. On other transcripts: intron variant (2).
Genome position (GRCh38, 1-based): chr2:113,236,711, G>A on the plus strand (C>T on the coding strand, the complement: PAX8 is on the minus strand). VCF-style: chr2-113236711-G-A. GRCh37 (hg19) VCF-style: chr2-113994288-G-A.
Other names: c.788C>T, p.Pro263Leu (NM_013952.4); c.777+4840C>T (NM_013992.4, NM_013953.4); short protein forms P263L.
Identifiers: ClinVar variation 4688252 (VCV004688252.1).